The following is an entry in ClinVar:

NM_001009944.3(PKD1):c.11589G>A (p.Leu3863=)

Genes: PKD1 (polycystin 1, transient receptor potential channel interacting; minus strand), PKD1-AS1 (PKD1 antisense RNA 1; plus strand). Cytogenetic location: 16p13.3.
Variant type: single nucleotide variant.
Coding change: c.11589G>A on transcript NM_001009944.3 (MANE Select); coding-DNA position 11589, G replaced by A.
Protein change: p.Leu3863=; no amino-acid change (leucine 3863 retained).
Molecular consequence: synonymous variant. On other transcripts: non-coding transcript variant (1).
Genome position (GRCh38, 1-based): chr16:2,091,546, C>T on the plus strand (G>A on the coding strand, the complement: PKD1 is on the minus strand). VCF-style: chr16-2091546-C-T. GRCh37 (hg19) VCF-style: chr16-2141547-C-T.
Other names: c.11589G>A (NM_001009944.2); c.11586G>A, p.Leu3862= (NM_000296.4).
Identifiers: ClinVar variation 994704 (VCV000994704.5), dbSNP rs778410054, ClinGen allele CA7829035.

ClinVar aggregate classification (germline): Likely benign. Review status: criteria provided, single submitter (1 of 4 stars). 5 submissions from 5 submitters: Likely benign (1). 4 of the submissions do not count toward it. Last evaluated 2020-08-06.

Conditions:
Polycystic kidney disease. Also called: Polycystic kidney dysplasia; Kidney, Polycystic. Identifiers: MedGen C0022680, MeSH D007690, MONDO:0020642, HP:0000113.
PKD1-related disorder. Also called: PKD1-related condition.

Allele frequency attached by ClinVar (database versions not stated): TOPMed 0.00005; gnomAD 0.00009; ExAC 0.00012; 1000 Genomes Project 30x 0.00016.
gnomAD v4.1: 62 of 1,520,074 alleles (0.0041%); highest among the groups gnomAD compares: African/African-American, 0.0057%; no homozygotes.

Submissions (5):

Athena Diagnostics
Classification: Likely benign. Last evaluated: 2020-08-06. Review status: criteria provided, single submitter. Criteria: Athena Diagnostics Criteria. Collection method: clinical testing. Allele origin: unknown.

PreventionGenetics, part of Exact Sciences
Classification: Likely benign for PKD1-related condition. Last evaluated: 2021-07-27. Review status: no assertion criteria provided. Collection method: clinical testing. Allele origin: germline. Not counted in ClinVar's aggregate classification.
Comment: This variant is classified as likely benign based on ACMG/AMP sequence variant interpretation guidelines (Richards et al. 2015 PMID: 25741868, with internal and published modifications).

Clinical Genetics DNA and cytogenetics Diagnostics Lab, Erasmus MC, Erasmus Medical Center
Classification: Likely benign. Review status: no assertion criteria provided. Collection method: clinical testing. Allele origin: germline. Affected: yes. Study: VKGL Data-share Consensus. Not counted in ClinVar's aggregate classification.

Department of Pathology and Laboratory Medicine, Sinai Health System
Classification: Likely benign for Polycystic Kidney disease. Review status: no assertion criteria provided. Collection method: clinical testing. Allele origin: unknown. Affected: yes. Study: The Canadian Open Genetics Repository (COGR). Not counted in ClinVar's aggregate classification.
Comment: The PKD1 p.Leu3863= variant was not identified in the literature nor was it identified in the ClinVar, LOVD 3.0, ADPKD Mutation Database, or PKD1-LOVD databases. The variant was identified in dbSNP (ID: rs778410054). The variant was also identified in control databases in 2 of 126908 chromosomes at a frequency of 0.00002 (Genome Aggregation Database Feb 27, 2017). The variant was observed in the following populations: African in 1 of 5602 chromosomes (freq: 0.0002) and European in 1 of 58376 chromosomes (freq: 0.00002); it was not observed in the Other, Latino, Ashkenazi Jewish, East Asian, Finnish, or South Asian populations. The p.Leu3863= variant is not expected to have clinical significance because it does not result in a change of amino acid and is not located in a known consensus splice site. In addition, in silico or computational prediction software programs (SpliceSiteFinder, MaxEntScan, NNSPLICE, GeneSplicer) do not predict a difference in splicing. In summary, based on the above information, the clinical significance of this variant cannot be determined with certainty at this time, although we would lean towards a more benign role for this variant. This variant is classified as likely benign.

Genome Diagnostics Laboratory, University Medical Center Utrecht
Classification: Likely benign. Review status: no assertion criteria provided. Collection method: clinical testing. Allele origin: germline. Affected: yes. Study: VKGL Data-share Consensus. Not counted in ClinVar's aggregate classification.